The following is an entry in ClinVar:

ClinVar aggregate classification (germline): Uncertain significance (1 of 4 stars; one submission).

Allele frequency attached by ClinVar (database versions not stated): gnomAD exomes below 0.00001; gnomAD 0.00001.
gnomAD v4.1: 8 of 1,614,024 alleles (0.0005%); highest among the groups gnomAD compares: East Asian, 0.018%; no homozygotes.

Submission:

Ambry Genetics
Classification: Uncertain significance. Last evaluated: 2024-01-19. Review status: criteria provided, single submitter. Criteria: Ambry Variant Classification Scheme 2023. Collection method: clinical testing. Allele origin: germline.
Comment: The p.E1016D variant (also known as c.3048A>T), located in coding exon 4 of the ALPK2 gene, results from an A to T substitution at nucleotide position 3048. The glutamic acid at codon 1016 is replaced by aspartic acid, an amino acid with highly similar properties. This amino acid position is conserved. In addition, this alteration is predicted to be tolerated by in silico analysis. Since supporting evidence is limited at this time, the clinical significance of this alteration remains unclear.

NM_052947.4(ALPK2):c.3048A>T (p.Glu1016Asp)

Gene: ALPK2 (alpha kinase 2; minus strand). Cytogenetic location: 18q21.31.
Variant type: single nucleotide variant.
Coding change: c.3048A>T on transcript NM_052947.4 (MANE Select); coding-DNA position 3048, A replaced by T.
Protein change: p.Glu1016Asp; replaces glutamic acid 1016 with aspartic acid.
Molecular consequence: missense variant.
Genome position (GRCh38, 1-based): chr18:58,537,139, T>A on the plus strand (A>T on the coding strand, the complement: ALPK2 is on the minus strand). VCF-style: chr18-58537139-T-A. GRCh37 (hg19) VCF-style: chr18-56204371-T-A.
Other names: short protein forms E1016D.
Identifiers: ClinVar variation 1799204 (VCV001799204.2), dbSNP rs750586012, ClinGen allele CA8976967.